The following is an entry in ClinVar:

ClinVar aggregate classification (germline): Uncertain significance (1 of 4 stars; one submission).

Conditions:
TSPAN7-related disorder. Also called: TSPAN7-related condition.

gnomAD v4.1: 6 of 1,186,560 alleles (0.00051%); highest among the groups gnomAD compares: African/African-American, 0.0017%; no homozygotes.

Submission:

PreventionGenetics, part of Exact Sciences
Classification: Uncertain significance for TSPAN7-related condition. Last evaluated: 2025-02-05. Review status: criteria provided, single submitter. Criteria: ACMG Guidelines, 2015. Collection method: clinical testing. Allele origin: germline.
Comment: The TSPAN7 c.436C>T variant is predicted to result in the amino acid substitution p.Arg146Cys. To our knowledge, this variant has not been reported in the literature or in a large population database (gnomAD), indicating this variant is rare. At this time, the clinical significance of this variant is uncertain due to the absence of conclusive functional and genetic evidence.

NM_004615.4(TSPAN7):c.436C>T (p.Arg146Cys)

Gene: TSPAN7 (tetraspanin 7; plus strand). Cytogenetic location: Xp11.4.
Variant type: single nucleotide variant.
Coding change: c.436C>T on transcript NM_004615.4 (MANE Select); coding-DNA position 436, C replaced by T.
Protein change: p.Arg146Cys; replaces arginine 146 with cysteine.
Molecular consequence: missense variant.
Genome position (GRCh38, 1-based): chrX:38,674,311, C>T. VCF-style: chrX-38674311-C-T. GRCh37 (hg19) VCF-style: chrX-38533565-C-T.
Other names: short protein forms R146C.
Identifiers: ClinVar variation 4982435 (VCV004982435.1).